The following is an entry in ClinVar:

ClinVar aggregate classification (germline): Uncertain significance. Review status: criteria provided, single submitter (1 of 4 stars). 2 submissions from 2 submitters: Uncertain significance (1). 1 of the submissions does not count toward it. Last evaluated 2022-03-04.

Conditions:
Early-infantile DEE. Also called: Early infantile epileptic encephalopathy; Ohtahara syndrome; Early infantile epileptic encephalopathy with suppression bursts. Identifiers: Orphanet 1934, MedGen C0393706, MONDO:0800491.
HCN1-related disorder. Also called: HCN1-related condition; HCN1-related disorders.

Submissions (2):

Labcorp Genetics (formerly Invitae), Labcorp
Classification: Uncertain significance for Early-infantile DEE. Last evaluated: 2022-03-04. Review status: criteria provided, single submitter. Criteria: Invitae Variant Classification Sherloc (09022015). Collection method: clinical testing. Allele origin: germline.
Comment: In summary, the available evidence is currently insufficient to determine the role of this variant in disease. Therefore, it has been classified as a Variant of Uncertain Significance. Algorithms developed to predict the effect of missense changes on protein structure and function (SIFT, PolyPhen-2, Align-GVGD) all suggest that this variant is likely to be disruptive. This variant has not been reported in the literature in individuals affected with HCN1-related conditions. This variant is not present in population databases (gnomAD no frequency). This sequence change replaces aspartic acid, which is acidic and polar, with tyrosine, which is neutral and polar, at codon 433 of the HCN1 protein (p.Asp433Tyr).

PreventionGenetics, part of Exact Sciences
Classification: Uncertain significance for HCN1-related condition. Last evaluated: 2024-09-09. Review status: no assertion criteria provided. Collection method: clinical testing. Allele origin: germline. Not counted in ClinVar's aggregate classification.
Comment: The HCN1 c.1297G>T variant is predicted to result in the amino acid substitution p.Asp433Tyr. This variant has been reported de novo in a child with complex seizures, psychomotor delay and regression and autistic features (Pavlidis et al. 2024. Abstract P.022). The father had history of febrile seizures but did not carry the variant. This variant has not been reported in a large population database, indicating this variant is rare. At this time, the clinical significance of this variant is uncertain due to the absence of conclusive functional and genetic evidence.

NM_021072.4(HCN1):c.1297G>T (p.Asp433Tyr)

Gene: HCN1 (hyperpolarization activated cyclic nucleotide gated potassium channel 1; minus strand). Cytogenetic location: 5p12.
Variant type: single nucleotide variant.
Coding change: c.1297G>T on transcript NM_021072.4 (MANE Select); coding-DNA position 1297, G replaced by T.
Protein change: p.Asp433Tyr; replaces aspartic acid 433 with tyrosine.
Molecular consequence: missense variant.
Genome position (GRCh38, 1-based): chr5:45,353,180, C>A on the plus strand (G>T on the coding strand, the complement: HCN1 is on the minus strand). VCF-style: chr5-45353180-C-A. GRCh37 (hg19) VCF-style: chr5-45353282-C-A.
Other names: c.1297G>T (NM_021072.3); short protein forms D433Y.
Identifiers: ClinVar variation 2106265 (VCV002106265.6), dbSNP rs2478391697, ClinGen allele CA359702141.